The following is an entry in ClinVar:

NM_206933.4(USH2A):c.9049G>C (p.Asp3017His)

Gene: USH2A (usherin; minus strand). Cytogenetic location: 1q41.
Variant type: single nucleotide variant.
Coding change: c.9049G>C on transcript NM_206933.4 (MANE Select); coding-DNA position 9049, G replaced by C.
Protein change: p.Asp3017His; replaces aspartic acid 3017 with histidine.
Molecular consequence: missense variant.
Genome position (GRCh38, 1-based): chr1:215,845,830, C>G on the plus strand (G>C on the coding strand, the complement: USH2A is on the minus strand). VCF-style: chr1-215845830-C-G. GRCh37 (hg19) VCF-style: chr1-216019172-C-G.
Other names: c.9049G>C (NM_206933.2); short protein forms D3017H.
Identifiers: ClinVar variation 1930301 (VCV001930301.3), dbSNP rs1222358142, ClinGen allele CA344840180.

ClinVar aggregate classification (germline): Uncertain significance. Review status: criteria provided, multiple submitters, no conflicts (2 of 4 stars). 2 submissions from 2 submitters: Uncertain significance (2). Last evaluated 2024-07-31.

Conditions:
Inborn genetic diseases. Identifiers: MedGen C0950123, MeSH D030342.

Submissions (2):

Ambry Genetics
Classification: Uncertain significance for Inborn genetic diseases. Last evaluated: 2024-07-31. Review status: criteria provided, single submitter. Criteria: Ambry Variant Classification Scheme 2023. Collection method: clinical testing. Allele origin: germline.

Labcorp Genetics (formerly Invitae), Labcorp
Classification: Uncertain significance. Last evaluated: 2022-09-13. Review status: criteria provided, single submitter. Criteria: Invitae Variant Classification Sherloc (09022015). Collection method: clinical testing. Allele origin: germline.
Comment: This sequence change replaces aspartic acid, which is acidic and polar, with histidine, which is basic and polar, at codon 3017 of the USH2A protein (p.Asp3017His). This variant is not present in population databases (gnomAD no frequency). This variant has not been reported in the literature in individuals affected with USH2A-related conditions. Advanced modeling of protein sequence and biophysical properties (such as structural, functional, and spatial information, amino acid conservation, physicochemical variation, residue mobility, and thermodynamic stability) has been performed at Invitae for this missense variant, however the output from this modeling did not meet the statistical confidence thresholds required to predict the impact of this variant on USH2A protein function. In summary, the available evidence is currently insufficient to determine the role of this variant in disease. Therefore, it has been classified as a Variant of Uncertain Significance.